The following is an entry in ClinVar:

ClinVar aggregate classification (germline): Benign. Review status: criteria provided, multiple submitters, no conflicts (2 of 4 stars). 3 submissions from 3 submitters: Benign (3). Last evaluated 2026-09-01.

Allele frequency attached by ClinVar (database versions not stated): TOPMed 0.00861; ESP Exome Variant Server 0.00930; 1000 Genomes Project 0.01258; 1000 Genomes Project 30x 0.01280; gnomAD 0.01283 and 0.01357; gnomAD exomes 0.01586 and 0.01745; ExAC 0.01802.
gnomAD v4.1: 25,154 of 1,614,116 alleles (1.6%); highest among the groups gnomAD compares: South Asian, 4.3%; 287 homozygotes.

Submissions (3):

CeGaT Center for Human Genetics Tuebingen
Classification: Benign. Last evaluated: 2026-09-01. Review status: criteria provided, single submitter. Criteria: CeGaT Center For Human Genetics Tuebingen Variant Classification Criteria Version 2. Collection method: clinical testing. Allele origin: germline. Affected: yes. Observed: 9 variant alleles.
Comment: CHRM3: PP2, BP4, BS1, BS2

Labcorp Genetics (formerly Invitae), Labcorp
Classification: Benign. Last evaluated: 2026-01-15. Review status: criteria provided, single submitter. Criteria: Invitae Variant Classification Sherloc (09022015). Collection method: clinical testing. Allele origin: germline.

Breakthrough Genomics
Classification: Benign. Review status: criteria provided, single submitter. Criteria: ACMG Guidelines, 2015. Collection method: not provided. Allele origin: germline. Inheritance: Autosomal recessive inheritance. Affected: yes.

NM_001375978.1(CHRM3):c.193G>A (p.Val65Ile)

Gene: CHRM3 (cholinergic receptor muscarinic 3; plus strand). Cytogenetic location: 1q43.
Variant type: single nucleotide variant.
Coding change: c.193G>A on transcript NM_001375978.1 (MANE Select); coding-DNA position 193, G replaced by A.
Protein change: p.Val65Ile; replaces valine 65 with isoleucine.
Molecular consequence: missense variant.
Genome position (GRCh38, 1-based): chr1:239,907,644, G>A. VCF-style: chr1-239907644-G-A. GRCh37 (hg19) VCF-style: chr1-240070944-G-A.
Other names: c.193G>A, p.Val65Ile (NM_000740.4, NM_001347716.2, NM_001375979.1 and 6 more transcripts); short protein forms V65I.
Identifiers: ClinVar variation 1576872 (VCV001576872.31), dbSNP rs2067481, ClinGen allele CA1475751.
Genomic context (GRCh38, chr1:239,907,644, plus strand): 5'-GCAGCTGGCAATTTCTCCTCTCCAGACGGTACCACCGATGACCCTCTGGGAGGTCATACC[G>A]TCTGGCAAGTGGTCTTCATCGCTTTCTTAACGGGCATCCTGGCCTTGGTGACCATCATCG-3'
Protein context (NP_001362907.1, residues 55-75): TTDDPLGGHT[Val65Ile]WQVVFIAFLT